The following is an entry in ClinVar:

NM_000218.3(KCNQ1):c.1765G>A (p.Gly589Ser)

Gene: KCNQ1 (potassium voltage-gated channel subfamily Q member 1; plus strand). Cytogenetic location: 11p15.5.
Variant type: single nucleotide variant.
Coding change: c.1765G>A on transcript NM_000218.3 (MANE Select); coding-DNA position 1765, G replaced by A.
Protein change: p.Gly589Ser; replaces glycine 589 with serine.
Molecular consequence: missense variant.
Genome position (GRCh38, 1-based): chr11:2,778,008, G>A. VCF-style: chr11-2778008-G-A. GRCh37 (hg19) VCF-style: chr11-2799238-G-A.
Other names: c.1669G>A, p.Gly557Ser (NM_001406836.1); c.1495G>A, p.Gly499Ser (NM_001406837.1); c.1225G>A, p.Gly409Ser (NM_001406838.1); c.277G>A, p.Gly93Ser (NM_001406839.1); c.1384G>A, p.Gly462Ser (NM_181798.2); short protein forms G462S, G589S, G409S, G557S, G93S, G499S.
Identifiers: ClinVar variation 923600 (VCV000923600.25), dbSNP rs780676796, ClinGen allele CA032686.
Genomic context (GRCh38, chr11:2,778,008, plus strand): 5'-CCTGATTTGGGTGTTTTATCCCCCATAGAAAAGAGCAAGGATCGCGGCAGCAACACGATC[G>A]GCGCCCGCCTGAACCGAGTAGAAGACAAGGTAGGCTCACGCGCCGGCCTGCGGTGGTTCT-3'
Protein context (NP_000209.2, residues 579-599): KSKDRGSNTI[Gly589Ser]ARLNRVEDKV

ClinVar aggregate classification (germline): Conflicting classifications of pathogenicity. Review status: criteria provided, conflicting classifications (1 of 4 stars). 9 submissions from 9 submitters: Likely pathogenic (2); Uncertain significance (7). Last evaluated 2025-12-10.

Conditions:
Cardiovascular phenotype. Identifiers: MedGen CN230736.
Long QT syndrome 1 (LQT1). Identifiers: Orphanet 101016, Orphanet 768, MedGen C4551647, MONDO:0100316, OMIM 192500, MONDO:0008646.
Jervell and Lange-Nielsen syndrome 1 (JLNS1). Also called: SURDO-CARDIAC SYNDROME; DEAFNESS, CONGENITAL, AND FUNCTIONAL HEART DISEASE; PROLONGED QT INTERVAL IN EKG AND SUDDEN DEATH; CARDIOAUDITORY SYNDROME OF JERVELL AND LANGE-NIELSEN. Identifiers: Orphanet 768, Orphanet 90647, MedGen C4551509, MONDO:0024540, OMIM 220400.
Atrial fibrillation, familial, 3 (ATFB3). Identifiers: MedGen C1837014, MONDO:0011857, OMIM 607554.
Beckwith-Wiedemann syndrome (BWS). Also called: Exomphalos macroglossia gigantism syndrome; EMG SYNDROME. Identifiers: Orphanet 116, MedGen C0004903, MONDO:0007534, OMIM 130650.
Short QT syndrome type 2. Identifiers: Orphanet 51083, MedGen C1865019, MONDO:0012313, OMIM 609621.
Cardiac arrhythmia. Also called: Cardiac rhythm disease; Arrhythmia. Identifiers: MedGen C0003811, MONDO:0007263, HP:0011675.
KCNQ1-related disorder. Also called: KCNQ1-related disorders; KCNQ1-related condition. Identifiers: MedGen CN239322.
Long QT syndrome (LQTS). Identifiers: MedGen C0023976, MeSH D008133, MONDO:0002442. Disease mechanism: loss of function. Inheritance: Various modes of inheritance.

Allele frequency attached by ClinVar (database versions not stated): TOPMed below 0.00001; ExAC 0.00001; gnomAD exomes 0.00001.
gnomAD v4.1: 10 of 1,613,722 alleles (0.00062%); highest among the groups gnomAD compares: South Asian, 0.0066%; 1 homozygote.

Submissions (9):

Ambry Genetics
Classification: Uncertain significance for Cardiovascular phenotype. Last evaluated: 2025-12-10. Review status: criteria provided, single submitter. Criteria: Ambry Variant Classification Scheme 2023. Collection method: clinical testing. Allele origin: germline.
Comment: The p.G589S variant (also known as c.1765G>A), located in coding exon 15 of the KCNQ1 gene, results from a G to A substitution at nucleotide position 1765. The glycine at codon 589 is replaced by serine, an amino acid with similar properties. This variant has been detected in an individual from a long QT syndrome (LQTS) cohort; however, details were limited (Gao Y et al. Cardiology, 2016 Oct;133:73-8). This variant was detected in the compound heterozygous state (in trans) with a KCNQ1 nonsense alteration in a symptomatic individual with LQTS who had normal hearing; the p.G589S variant was also detected in unaffected relatives with normal ECGs (Lin Y et al. Ann Noninvasive Electrocardiol, 2020 Jan;25:e12694). In addition, this variant was reported as homozygous in an individual with sudden cardiac death in childhood (Blich M et al. J Arrhythm, 2023 Aug;39:607-612). This amino acid position is highly conserved in available vertebrate species. In addition, this alteration is predicted to be deleterious by in silico analysis. Based on the available evidence, the clinical significance of this variant remains unclear.

Labcorp Genetics (formerly Invitae), Labcorp
Classification: Likely pathogenic for Long QT syndrome. Last evaluated: 2025-10-01. Review status: criteria provided, single submitter. Criteria: Invitae Variant Classification Sherloc (09022015). Collection method: clinical testing. Allele origin: germline.
Comment: This sequence change replaces glycine, which is neutral and non-polar, with serine, which is neutral and polar, at codon 589 of the KCNQ1 protein (p.Gly589Ser). This variant is present in population databases (rs780676796, gnomAD 0.006%). This missense change has been observed in individual(s) with long QT syndrome (PMID: 26496715, 31565860, 37560270, 37937776). ClinVar contains an entry for this variant (Variation ID: 923600). Invitae Evidence Modeling of protein sequence and biophysical properties (such as structural, functional, and spatial information, amino acid conservation, physicochemical variation, residue mobility, and thermodynamic stability) has been performed for this missense variant. However, the output from this modeling did not meet the statistical confidence thresholds required to predict the impact of this variant on KCNQ1 protein function. This variant disrupts the p.Gly589 amino acid residue in KCNQ1. Other variant(s) that disrupt this residue have been determined to be pathogenic (PMID: 10483966, 11216980, 19160088, 22095730, 23098067, 25344363, 28619993). This suggests that this residue is clinically significant, and that variants that disrupt this residue are likely to be disease-causing. In summary, the currently available evidence indicates that the variant is pathogenic, but additional data are needed to prove that conclusively. Therefore, this variant has been classified as Likely Pathogenic.

All of Us Research Program, National Institutes of Health
Classification: Uncertain significance for Long QT syndrome. Last evaluated: 2024-09-13. Review status: criteria provided, single submitter. Criteria: ACMG Guidelines, 2015. Collection method: clinical testing. Allele origin: germline. Inheritance: Autosomal dominant inheritance. Observed: 4 variant alleles, 4 heterozygotes.
Comment: This missense variant replaces glycine with serine at codon 589 of the KCNQ1 protein. Computational prediction suggests that this variant may have deleterious impact on protein structure and function. To our knowledge, functional studies have not been reported for this variant. This variant is located within a highly conserved region (a.a. 585-607) of the C-terminal cytoplasmic coiled-coil domain. Rare non-truncating variants in this region have been shown to be significantly overrepresented in individuals with long QT syndrome (PMID: 32893267). This variant has been reported in a presumably heterozygous individual affected with long QT syndrome (PMID: 26496715). It has been observed in compound heterozygous state with a pathogenic truncation KCNQ1 variant p.Trp176* in a child affected with severe long QT syndrome (PMID: 31565860). The proband's relatives heterozygous for either of the two variants were reported to be unaffected. This variant has also been reported in a homozygous infant affected with sudden cardiac death (PMID: 37560270). This variant has been identified in 2/250974 chromosomes in the general population by the Genome Aggregation Database (gnomAD). A different missense variant occurring at the same codon, p.Gly589Asp, is a known founder mutation in the Finnish population (ClinVar variation ID: 3140), indicating that glycine at this position is important for the KCNQ1 protein function. The available evidence is insufficient to determine the role of this variant in autosomal dominant long QT syndrome conclusively. Therefore, this variant is classified as Variant of Uncertain Significance.

This study involves interpretation of variants in research participants for the purpose of population health screening. Participant phenotype was not available at the time of variant classification. Additional details can be found in publication PMID: 35346344, PMCID: PMC8962531

Color Diagnostics, LLC DBA Color Health
Classification: Uncertain significance for Cardiac arrhythmia. Last evaluated: 2024-05-08. Review status: criteria provided, single submitter. Criteria: ACMG Guidelines, 2015. Collection method: clinical testing. Allele origin: germline.
Comment: This missense variant replaces glycine with serine at codon 589 of the KCNQ1 protein. Computational prediction suggests that this variant may have deleterious impact on protein structure and function. To our knowledge, functional studies have not been reported for this variant. This variant is located within a highly conserved region (a.a. 585-607) of the C-terminal cytoplasmic coiled-coil domain. Rare non-truncating variants in this region have been shown to be significantly overrepresented in individuals with long QT syndrome (PMID: 32893267). This variant has been reported in a presumably heterozygous individual affected with long QT syndrome (PMID: 26496715). It has been observed in compound heterozygous state with a pathogenic truncation KCNQ1 variant p.Trp176* in a child affected with severe long QT syndrome (PMID: 31565860). The proband's relatives heterozygous for either of the two variants were reported to be unaffected. This variant has also been reported in a homozygous infant affected with sudden cardiac death (PMID: 37560270). This variant has been identified in 2/250974 chromosomes in the general population by the Genome Aggregation Database (gnomAD). A different missense variant occurring at the same codon, p.Gly589Asp, is a known founder mutation in the Finnish population (ClinVar variation ID: 3140), indicating that glycine at this position is important for the KCNQ1 protein function. The available evidence is insufficient to determine the role of this variant in autosomal dominant long QT syndrome conclusively. Therefore, this variant is classified as Variant of Uncertain Significance.

Women's Health and Genetics/Laboratory Corporation of America, LabCorp
Classification: Uncertain significance. Last evaluated: 2023-06-13. Review status: criteria provided, single submitter. Criteria: LabCorp Variant Classification Summary - May 2015. Collection method: clinical testing. Allele origin: germline.
Comment: Variant summary: KCNQ1 c.1765G>A (p.Gly589Ser) results in a non-conservative amino acid change located in the Potassium channel, voltage dependent, KCNQ, C-terminal domain (IPR013821) of the encoded protein sequence. Four of five in-silico tools predict a damaging effect of the variant on protein function. The variant allele was found at a frequency of 8e-06 in 250974 control chromosomes. c.1765G>A has been reported in the literature in individuals affected with Long QT Syndrome (Gao_2015, Lin_2019), including one compound heterozygous patient who also carried W176X repeatedly suffered from cardiac syncope triggered by externally, stressful, mentalpsychological stimulation and familial history of unexplained sudden death, as well as in normal individuals in one family (Lin_2019). These data indicate that the variant may be associated with disease. To our knowledge, no experimental evidence demonstrating an impact on protein function has been reported. Another missense variant (c.1766G>A, p.G589D) in the same residue has been found in individuals affected with Long QT syndrome in HGMD and classified as pathogenic in ClinVar, suggesting this residue is clinical important. The following publications have been ascertained in the context of this evaluation (PMID: 26496715, 31565860). Four ClinVar submitters (evaluation after 2014) cite this variant as uncertain significance (n=3) and likely pathogenic (n=1). Based on the evidence outlined above, the variant was classified as VUS-possibly pathogenic.

AiLife Diagnostics
Classification: Uncertain significance. Last evaluated: 2022-02-23. Review status: criteria provided, single submitter. Criteria: ACMG Guidelines, 2015. Collection method: clinical testing. Allele origin: germline. Affected: yes. Observed: 1 variant allele.

Fulgent Genetics
Classification: Uncertain significance for Beckwith-Wiedemann syndrome; Long QT syndrome 1; Jervell and Lange-Nielsen syndrome 1; Atrial fibrillation, familial, 3; Short QT syndrome type 2. Last evaluated: 2021-07-26. Review status: criteria provided, single submitter. Criteria: ACMG Guidelines, 2015. Collection method: clinical testing. Allele origin: unknown.

Blueprint Genetics
Classification: Likely pathogenic for KCNQ1-related disorders. Last evaluated: 2018-10-13. Review status: criteria provided, single submitter. Criteria: ACMG Guidelines, 2015. Collection method: clinical testing. Allele origin: germline. Affected: yes. Observed: 1 variant allele.

Breakthrough Genomics
Classification: Uncertain significance. Review status: criteria provided, single submitter. Criteria: ACMG Guidelines, 2015. Collection method: not provided. Allele origin: germline. Inheritance: Autosomal recessive inheritance. Affected: yes.

Literature cited by the submitters: PubMed 26496715 (cited by 5 submitters); PubMed 31565860 (cited by 6 submitters); PubMed 37560270 (cited by 4 submitters); PubMed 37937776 (cited by Labcorp Genetics (formerly Invitae), Labcorp); PubMed 10483966 (cited by Labcorp Genetics (formerly Invitae), Labcorp); PubMed 11216980 (cited by Labcorp Genetics (formerly Invitae), Labcorp); PubMed 19160088 (cited by Labcorp Genetics (formerly Invitae), Labcorp); PubMed 22095730 (cited by Labcorp Genetics (formerly Invitae), Labcorp); PubMed 23098067 (cited by Labcorp Genetics (formerly Invitae), Labcorp); PubMed 25344363 (cited by Labcorp Genetics (formerly Invitae), Labcorp); PubMed 28619993 (cited by Labcorp Genetics (formerly Invitae), Labcorp); PubMed 32893267 (cited by All of Us Research Program, National Institutes of Health and Color Diagnostics, LLC DBA Color Health).